The following is an entry in ClinVar:

NM_003072.5(SMARCA4):c.4790T>C (p.Ile1597Thr)

Gene: SMARCA4 (SWI/SNF related BAF chromatin remodeling complex subunit ATPase 4; plus strand). Cytogenetic location: 19p13.2.
Variant type: single nucleotide variant.
Coding change: c.4790T>C on transcript NM_003072.5 (MANE Select); coding-DNA position 4790, T replaced by C.
Protein change: p.Ile1597Thr; replaces isoleucine 1597 with threonine.
Molecular consequence: missense variant. On other transcripts: non-coding transcript variant (1).
Genome position (GRCh38, 1-based): chr19:11,060,066, T>C. VCF-style: chr19-11060066-T-C. GRCh37 (hg19) VCF-style: chr19-11170742-T-C.
Other names: c.4691T>C, p.Ile1564Thr (NM_001374457.1, NM_001128847.4); c.4886T>C, p.Ile1629Thr (NM_001387283.1, NM_001128849.3); c.4787T>C, p.Ile1596Thr (NM_001411150.1); c.4790T>C, p.Ile1597Thr (NM_001128844.3); c.4700T>C, p.Ile1567Thr (NM_001128845.2); c.4697T>C, p.Ile1566Thr (NM_001128846.2); c.4688T>C, p.Ile1563Thr (NM_001128848.2); short protein forms I1566T, I1596T, I1563T, I1564T, I1567T, I1597T, I1629T.
Identifiers: ClinVar variation 1743818 (VCV001743818.2), dbSNP rs2147123907, ClinGen allele CA404080346.

ClinVar aggregate classification (germline): Uncertain significance (1 of 4 stars; one submission).

Conditions:
Hereditary cancer-predisposing syndrome. Also called: Hereditary Cancer Syndrome; Neoplastic Syndromes, Hereditary; Tumor predisposition; Hereditary neoplastic syndrome. Identifiers: Orphanet 140162, MedGen C0027672, MeSH D009386, MONDO:0015356.

Submission:

Ambry Genetics
Classification: Uncertain significance for Hereditary cancer-predisposing syndrome. Last evaluated: 2024-01-23. Review status: criteria provided, single submitter. Criteria: Ambry Variant Classification Scheme 2023. Collection method: clinical testing. Allele origin: germline.
Comment: The p.I1629T variant (also known as c.4886T>C), located in coding exon 34 of the SMARCA4 gene, results from a T to C substitution at nucleotide position 4886. The isoleucine at codon 1629 is replaced by threonine, an amino acid with similar properties. This amino acid position is highly conserved in available vertebrate species. In addition, the in silico prediction for this alteration is inconclusive. Since supporting evidence is limited at this time, the clinical significance of this alteration remains unclear.